The following is an entry in ClinVar:

NM_001458.5(FLNC):c.4277G>A (p.Arg1426Gln)

Gene: FLNC (filamin C; plus strand). Cytogenetic location: 7q32.1.
Variant type: single nucleotide variant.
Coding change: c.4277G>A on transcript NM_001458.5 (MANE Select); coding-DNA position 4277, G replaced by A.
Protein change: p.Arg1426Gln; replaces arginine 1426 with glutamine.
Molecular consequence: missense variant.
Genome position (GRCh38, 1-based): chr7:128,846,894, G>A. VCF-style: chr7-128846894-G-A. GRCh37 (hg19) VCF-style: chr7-128486948-G-A.
Other names: c.4277G>A, p.Arg1426Gln (NM_001127487.2); short protein forms R1426Q.
Identifiers: ClinVar variation 1739304 (VCV001739304.9), dbSNP rs764452839, ClinGen allele CA4475284.

ClinVar aggregate classification (germline): Conflicting classifications of pathogenicity. Review status: criteria provided, conflicting classifications (1 of 4 stars). 4 submissions from 4 submitters: Uncertain significance (2); Likely benign (2). Last evaluated 2026-05-01.

Conditions:
Distal myopathy with posterior leg and anterior hand involvement. Also called: WILLIAMS DISTAL MYOPATHY. Identifiers: Orphanet 63273, MedGen C3279722, MONDO:0013550, OMIM 614065.
Myofibrillar myopathy 5. Also called: Filaminopathy (type); FILAMINOPATHY, AUTOSOMAL DOMINANT. Identifiers: Orphanet 171445, MedGen C1836050, MONDO:0012289, OMIM 609524.
Hypertrophic cardiomyopathy 26. Also called: Cardiomyopathy, familial hypertrophic, 26. Identifiers: Orphanet 75249, MedGen C4310749, MONDO:0014883, OMIM 617047.
Cardiovascular phenotype. Identifiers: MedGen CN230736.

Allele frequency attached by ClinVar (database versions not stated): gnomAD 0.00001; gnomAD exomes 0.00001; ExAC 0.00002.

Submissions (4):

CeGaT Center for Human Genetics Tuebingen
Classification: Likely benign. Last evaluated: 2026-05-01. Review status: criteria provided, single submitter. Criteria: CeGaT Center For Human Genetics Tuebingen Variant Classification Criteria Version 2. Collection method: clinical testing. Allele origin: germline. Affected: yes. Observed: 1 variant allele.
Comment: FLNC: BP4

Ambry Genetics
Classification: Uncertain significance for Cardiovascular phenotype. Last evaluated: 2025-12-08. Review status: criteria provided, single submitter. Criteria: Ambry Variant Classification Scheme 2023. Collection method: clinical testing. Allele origin: germline.

Labcorp Genetics (formerly Invitae), Labcorp
Classification: Likely benign for Distal myopathy with posterior leg and anterior hand involvement; Myofibrillar myopathy 5; Hypertrophic cardiomyopathy 26. Last evaluated: 2025-08-13. Review status: criteria provided, single submitter. Criteria: Invitae Variant Classification Sherloc (09022015). Collection method: clinical testing. Allele origin: germline.

Revvity Omics, Revvity
Classification: Uncertain significance. Last evaluated: 2024-06-13. Review status: criteria provided, single submitter. Criteria: ACMG Guidelines, 2015. Collection method: clinical testing. Allele origin: germline.